The following is an entry in ClinVar:

NM_017617.5(NOTCH1):c.724G>A (p.Glu242Lys)

Gene: NOTCH1 (notch receptor 1; minus strand). Cytogenetic location: 9q34.3.
Variant type: single nucleotide variant.
Coding change: c.724G>A on transcript NM_017617.5 (MANE Select); coding-DNA position 724, G replaced by A.
Protein change: p.Glu242Lys; replaces glutamic acid 242 with lysine.
Molecular consequence: missense variant.
Genome position (GRCh38, 1-based): chr9:136,522,868, C>T on the plus strand (G>A on the coding strand, the complement: NOTCH1 is on the minus strand). VCF-style: chr9-136522868-C-T. GRCh37 (hg19) VCF-style: chr9-139417320-C-T.
Other names: short protein forms E242K.
Identifiers: ClinVar variation 3669067 (VCV003669067.2).

ClinVar aggregate classification (germline): Uncertain significance (1 of 4 stars; one submission).

Conditions:
Adams-Oliver syndrome 5 (AOS5). Identifiers: Orphanet 974, MedGen C4014970, MONDO:0014459, OMIM 616028.

gnomAD v4.1: 5 of 1,510,898 alleles (0.00033%); highest among the groups gnomAD compares: African/African-American, 0.0014%; no homozygotes.

Submission:

Labcorp Genetics (formerly Invitae), Labcorp
Classification: Uncertain significance for Adams-Oliver syndrome 5. Last evaluated: 2024-09-14. Review status: criteria provided, single submitter. Criteria: Invitae Variant Classification Sherloc (09022015). Collection method: clinical testing. Allele origin: germline.
Comment: This sequence change replaces glutamic acid, which is acidic and polar, with lysine, which is basic and polar, at codon 242 of the NOTCH1 protein (p.Glu242Lys). The frequency data for this variant in the population databases is considered unreliable, as metrics indicate poor data quality at this position in the gnomAD database. This variant has not been reported in the literature in individuals affected with NOTCH1-related conditions. Invitae Evidence Modeling of protein sequence and biophysical properties (such as structural, functional, and spatial information, amino acid conservation, physicochemical variation, residue mobility, and thermodynamic stability) indicates that this missense variant is not expected to disrupt NOTCH1 protein function with a negative predictive value of 95%. In summary, the available evidence is currently insufficient to determine the role of this variant in disease. Therefore, it has been classified as a Variant of Uncertain Significance.